The following is an entry in ClinVar:

NM_001204.7(BMPR2):c.-301G>A

Gene: BMPR2 (bone morphogenetic protein receptor type 2; plus strand). Cytogenetic location: 2q33.1.
Variant type: single nucleotide variant.
Coding change: c.-301G>A on transcript NM_001204.7 (MANE Select); 301 bases upstream of the start codon, G replaced by A.
Molecular consequence: 5 prime UTR variant.
Genome position (GRCh38, 1-based): chr2:202,377,174, G>A. VCF-style: chr2-202377174-G-A. GRCh37 (hg19) VCF-style: chr2-203241897-G-A.
Other names: c.-301G>A (LRG_712t1).
Identifiers: ClinVar variation 333634 (VCV000333634.43), dbSNP rs116154690, ClinGen allele CA10613572.

ClinVar aggregate classification (germline): Benign/Likely benign. Review status: criteria provided, multiple submitters, no conflicts (2 of 4 stars). 8 submissions from 8 submitters: Benign (3); Likely benign (4). 1 of the submissions does not count toward it. Last evaluated 2026-09-01.

Conditions:
Primary pulmonary hypertension. Also called: Idiopathic pulmonary hypertension. Identifiers: MedGen C0152171.
Pulmonary hypertension, primary, 1 (PPH1). Also called: Pulmonary hypertension, familial primary, 1, with or without HHT. Identifiers: Orphanet 422, MedGen C4552070, MONDO:0024533, OMIM 178600.
Pulmonary venoocclusive disease 1 (PVOD1). Also called: Pulmonary venoocclusive disease 1, autosomal dominant. Identifiers: Orphanet 31837, MedGen C3887658, MONDO:0020713, OMIM 265450.
BMPR2-related disorder. Also called: BMPR2-related disorders; BMPR2-related condition.

Allele frequency attached by ClinVar (database versions not stated): 1000 Genomes Project 0.00539; 1000 Genomes Project 30x 0.00562; gnomAD 0.00909 and 0.00917; TOPMed 0.00935; gnomAD exomes 0.01108.
gnomAD v4.1: 6,293 of 590,214 alleles (1.1%); highest among the groups gnomAD compares: Middle Eastern, 1.3%; 58 homozygotes.

Submissions (8):

CeGaT Center for Human Genetics Tuebingen
Classification: Likely benign. Last evaluated: 2026-09-01. Review status: criteria provided, single submitter. Criteria: CeGaT Center For Human Genetics Tuebingen Variant Classification Criteria Version 2. Collection method: clinical testing. Allele origin: germline. Affected: yes. Observed: 9 variant alleles.
Comment: BMPR2: BS1

Labcorp Genetics (formerly Invitae), Labcorp
Classification: Benign for Primary pulmonary hypertension. Last evaluated: 2025-10-20. Review status: criteria provided, single submitter. Criteria: Invitae Variant Classification Sherloc (09022015). Collection method: clinical testing. Allele origin: germline.

Genomic Medicine Center of Excellence, King Faisal Specialist Hospital and Research Centre
Classification: Benign for Pulmonary hypertension, primary, 1. Last evaluated: 2025-09-10. Review status: criteria provided, single submitter. Criteria: ACMG Guidelines, 2015. Collection method: clinical testing. Allele origin: germline.

Fulgent Genetics
Classification: Likely benign for Pulmonary hypertension, primary, 1; Pulmonary venoocclusive disease 1. Last evaluated: 2022-04-11. Review status: criteria provided, single submitter. Criteria: ACMG Guidelines, 2015. Collection method: clinical testing. Allele origin: unknown.

GeneDx
Classification: Likely benign. Last evaluated: 2019-07-24. Review status: criteria provided, single submitter. Criteria: GeneDx Variant Classification Process June 2021. Collection method: clinical testing. Allele origin: germline. Affected: yes.
Comment: This variant is associated with the following publications: (PMID: 28507310, 22129439, 29526310)

Illumina Laboratory Services, Illumina
Classification: Benign for Pulmonary hypertension, primary, 1. Last evaluated: 2018-01-12. Review status: criteria provided, single submitter. Criteria: ICSL Variant Classification Criteria 13 December 2019. Collection method: clinical testing. Allele origin: germline.
Comment: This variant was observed in the ICSL laboratory as part of a predisposition screen in an ostensibly healthy population. It had not been previously curated by ICSL or reported in the Human Gene Mutation Database (HGMD: prior to June 1st, 2018), and was therefore a candidate for classification through an automated scoring system. Utilizing variant allele frequency, disease prevalence and penetrance estimates, and inheritance mode, an automated score was calculated to assess if this variant is too frequent to cause the disease. Based on the score and internal cut-off values, a variant classified as benign is not then subjected to further curation. The score for this variant resulted in a classification of benign for this disease.

Breakthrough Genomics
Classification: Likely benign. Review status: criteria provided, single submitter. Criteria: ACMG Guidelines, 2015. Collection method: not provided. Allele origin: germline. Inheritance: Autosomal dominant inheritance. Affected: yes.

PreventionGenetics, part of Exact Sciences
Classification: Benign for BMPR2-related condition. Last evaluated: 2021-02-19. Review status: no assertion criteria provided. Collection method: clinical testing. Allele origin: germline. Not counted in ClinVar's aggregate classification.
Comment: This variant is classified as benign based on ACMG/AMP sequence variant interpretation guidelines (Richards et al. 2015 PMID: 25741868, with internal and published modifications).